The following is an entry in ClinVar:

NM_024422.6(DSC2):c.1124G>A (p.Arg375Gln)

Gene: DSC2 (desmocollin 2; minus strand). Cytogenetic location: 18q12.1.
Variant type: single nucleotide variant.
Coding change: c.1124G>A on transcript NM_024422.6 (MANE Select); coding-DNA position 1124, G replaced by A.
Protein change: p.Arg375Gln; replaces arginine 375 with glutamine.
Molecular consequence: missense variant.
Genome position (GRCh38, 1-based): chr18:31,082,377, C>T on the plus strand (G>A on the coding strand, the complement: DSC2 is on the minus strand). VCF-style: chr18-31082377-C-T. GRCh37 (hg19) VCF-style: chr18-28662343-C-T.
Other names: c.1124G>A (NM_024422.3); c.1124G>A, p.Arg375Gln (NM_004949.5); short protein forms R375Q.
Identifiers: ClinVar variation 1405340 (VCV001405340.10), dbSNP rs770412621, ClinGen allele CA030018.

ClinVar aggregate classification (germline): Uncertain significance. Review status: criteria provided, multiple submitters, no conflicts (2 of 4 stars). 4 submissions from 4 submitters: Uncertain significance (4). Last evaluated 2025-11-09.

Conditions:
Familial isolated arrhythmogenic right ventricular dysplasia. Identifiers: Orphanet 217656, MedGen C4274968, MONDO:0016342.
Cardiovascular phenotype. Identifiers: MedGen CN230736.
Cardiomyopathy (CMYO). Also called: Cardiomyopathies. Identifiers: Orphanet 167848, MedGen C0878544, MONDO:0004994, HP:0001638. Inheritance: Various modes of inheritance.
Arrhythmogenic right ventricular dysplasia 11. Also called: Arrhythmogenic right ventricular dysplasia 11 with mild palmoplantar keratoderma and woolly hair; Arrhythmogenic Right Ventricular Dysplasia/Cardiomyopathy11; ARRHYTHMOGENIC RIGHT VENTRICULAR DYSPLASIA, FAMILIAL, 11. Identifiers: MedGen C1864850, MONDO:0012506, OMIM 610476.

Allele frequency attached by ClinVar (database versions not stated): ExAC 0.00002; gnomAD exomes 0.00001; gnomAD 0.00001.
gnomAD v4.1: 7 of 1,613,618 alleles (0.00043%); highest among the groups gnomAD compares: Admixed American, 0.0033%; no homozygotes.

Submissions (4):

Labcorp Genetics (formerly Invitae), Labcorp
Classification: Uncertain significance for Arrhythmogenic right ventricular dysplasia 11. Last evaluated: 2025-11-09. Review status: criteria provided, single submitter. Criteria: Invitae Variant Classification Sherloc (09022015). Collection method: clinical testing. Allele origin: germline.
Comment: This sequence change replaces arginine, which is basic and polar, with glutamine, which is neutral and polar, at codon 375 of the DSC2 protein (p.Arg375Gln). This variant is present in population databases (rs770412621, gnomAD 0.006%). This variant has not been reported in the literature in individuals affected with DSC2-related conditions. ClinVar contains an entry for this variant (Variation ID: 1405340). Invitae Evidence Modeling of protein sequence and biophysical properties (such as structural, functional, and spatial information, amino acid conservation, physicochemical variation, residue mobility, and thermodynamic stability) indicates that this missense variant is expected to disrupt DSC2 protein function with a positive predictive value of 80%. In summary, the available evidence is currently insufficient to determine the role of this variant in disease. Therefore, it has been classified as a Variant of Uncertain Significance.

All of Us Research Program, National Institutes of Health
Classification: Uncertain significance for Familial isolated arrhythmogenic right ventricular dysplasia. Last evaluated: 2023-12-01. Review status: criteria provided, single submitter. Criteria: ACMG Guidelines, 2015. Collection method: clinical testing. Allele origin: germline. Inheritance: Autosomal dominant inheritance. Observed: 1 variant allele, 1 heterozygote.
Comment: This study involves interpretation of variants in research participants for the purpose of population health screening. Participant phenotype was not available at the time of variant classification. Additional details can be found in publication PMID: 35346344, PMCID: PMC8962531

Ambry Genetics
Classification: Uncertain significance for Cardiovascular phenotype. Last evaluated: 2023-09-05. Review status: criteria provided, single submitter. Criteria: Ambry Variant Classification Scheme 2023. Collection method: clinical testing. Allele origin: germline.
Comment: The p.R375Q variant (also known as c.1124G>A), located in coding exon 9 of the DSC2 gene, results from a G to A substitution at nucleotide position 1124. The arginine at codon 375 is replaced by glutamine, an amino acid with highly similar properties. This amino acid position is well conserved in available vertebrate species. In addition, the in silico prediction for this alteration is inconclusive. Since supporting evidence is limited at this time, the clinical significance of this alteration remains unclear.

Color Diagnostics, LLC DBA Color Health
Classification: Uncertain significance for Cardiomyopathy. Last evaluated: 2023-06-05. Review status: criteria provided, single submitter. Criteria: ACMG Guidelines, 2015. Collection method: clinical testing. Allele origin: germline.
Comment: This missense variant replaces arginine with glutamine at codon 375 of the DSC2 protein. Computational prediction suggests that this variant may not impact protein structure and function (internally defined REVEL score threshold <= 0.5, PMID: 27666373). To our knowledge, functional studies have not been reported for this variant. This variant has not been reported in individuals affected with DSC2-related disorders in the literature. This variant has been identified in 2/250986 chromosomes in the general population by the Genome Aggregation Database (gnomAD). The available evidence is insufficient to determine the role of this variant in disease conclusively. Therefore, this variant is classified as a Variant of Uncertain Significance.